The following is an entry in ClinVar:

NM_183050.4(BCKDHB):c.239C>G (p.Ala80Gly)

Gene: BCKDHB (branched chain keto acid dehydrogenase E1 subunit beta; plus strand). Cytogenetic location: 6q14.1.
Variant type: single nucleotide variant.
Coding change: c.239C>G on transcript NM_183050.4 (MANE Select); coding-DNA position 239, C replaced by G.
Protein change: p.Ala80Gly; replaces alanine 80 with glycine.
Molecular consequence: missense variant. On other transcripts: non-coding transcript variant (1).
Genome position (GRCh38, 1-based): chr6:80,127,589, C>G. VCF-style: chr6-80127589-C-G. GRCh37 (hg19) VCF-style: chr6-80837306-C-G.
Other names: c.239C>G, p.Ala80Gly (NM_000056.5); c.29C>G, p.Ala10Gly (NM_001318975.1); short protein forms A10G, A80G.
Identifiers: ClinVar variation 656501 (VCV000656501.7), dbSNP rs371131253, ClinGen allele CA142279436.

ClinVar aggregate classification (germline): Uncertain significance. Review status: criteria provided, single submitter (1 of 4 stars). 2 submissions from 2 submitters: Uncertain significance (1). 1 of the submissions does not count toward it. Last evaluated 2021-09-01.

Conditions:
Maple syrup urine disease type 1B (MSUD1B). Also called: MSUD type IB; MSUD type 3 (formerly); MSUD due to deficiency of e1-beta subunit of branched-chain alpha-keto acid dehydrogenase complex. Identifiers: MedGen C2930990, MONDO:0023692, OMIM 620698.
Maple syrup urine disease (MSUD). Identifiers: Orphanet 511, MedGen C0024776, MeSH D008375, MONDO:0009563. Disease mechanism: loss of function.

Allele frequency attached by ClinVar (database versions not stated): TOPMed below 0.00001; gnomAD exomes 0.00001 and 0.00002; ESP Exome Variant Server 0.00008.
gnomAD v4.1: 4 of 1,613,274 alleles (0.00025%); highest among the groups gnomAD compares: Non-Finnish European, 0.00025%; no homozygotes.

Submissions (2):

Labcorp Genetics (formerly Invitae), Labcorp
Classification: Uncertain significance for Maple syrup urine disease. Last evaluated: 2021-09-01. Review status: criteria provided, single submitter. Criteria: Invitae Variant Classification Sherloc (09022015). Collection method: clinical testing. Allele origin: germline.
Comment: This sequence change replaces alanine with glycine at codon 80 of the BCKDHB protein (p.Ala80Gly). The alanine residue is highly conserved and there is a small physicochemical difference between alanine and glycine. This variant is not present in population databases (ExAC no frequency). This variant has not been reported in the literature in individuals affected with BCKDHB-related conditions. Algorithms developed to predict the effect of missense changes on protein structure and function are either unavailable or do not agree on the potential impact of this missense change (SIFT: "Deleterious"; PolyPhen-2: "Benign"; Align-GVGD: "Class C55"). In summary, the available evidence is currently insufficient to determine the role of this variant in disease. Therefore, it has been classified as a Variant of Uncertain Significance.

Natera, Inc.
Classification: Uncertain significance for Maple syrup urine disease type 1B. Last evaluated: 2021-03-23. Review status: no assertion criteria provided. Collection method: clinical testing. Allele origin: germline. Not counted in ClinVar's aggregate classification.